The following is an entry in ClinVar:

NM_006031.6(PCNT):c.2001A>C (p.Ala667=)

Gene: PCNT (pericentrin; plus strand). Cytogenetic location: 21q22.3.
Variant type: single nucleotide variant.
Coding change: c.2001A>C on transcript NM_006031.6 (MANE Select); coding-DNA position 2001, A replaced by C.
Protein change: p.Ala667=; no amino-acid change (alanine 667 retained).
Molecular consequence: synonymous variant.
Genome position (GRCh38, 1-based): chr21:46,357,038, A>C. VCF-style: chr21-46357038-A-C. GRCh37 (hg19) VCF-style: chr21-47776953-A-C.
Other names: c.1647A>C, p.Ala549= (NM_001315529.2).
Identifiers: ClinVar variation 5000666 (VCV005000666.1).

ClinVar aggregate classification (germline): Likely benign (1 of 4 stars; one submission).

Conditions:
PCNT-related disorder. Also called: PCNT-related condition.

Submission:

PreventionGenetics, part of Exact Sciences
Classification: Likely benign for PCNT-related condition. Last evaluated: 2025-05-27. Review status: criteria provided, single submitter. Criteria: ACMG Guidelines, 2015. Collection method: clinical testing. Allele origin: germline.
Comment: This variant is classified as likely benign based on ACMG/AMP sequence variant interpretation guidelines (Richards et al. 2015 PMID: 25741868, with internal and published modifications).